The following is an entry in ClinVar:

ClinVar aggregate classification (germline): Uncertain significance (1 of 4 stars; one submission).

Allele frequency attached by ClinVar (database versions not stated): gnomAD exomes 0.00001; ExAC 0.00002.
gnomAD v4.1: 8 of 1,607,196 alleles (0.0005%); highest among the groups gnomAD compares: South Asian, 0.0088%; no homozygotes.

Submission:

Ambry Genetics
Classification: Uncertain significance. Last evaluated: 2021-08-27. Review status: criteria provided, single submitter. Criteria: Ambry Variant Classification Scheme 2023. Collection method: clinical testing. Allele origin: germline.
Comment: The p.L111F variant (also known as c.333A>T), located in coding exon 2 of the POLQ gene, results from an A to T substitution at nucleotide position 333. The leucine at codon 111 is replaced by phenylalanine, an amino acid with highly similar properties. This amino acid position is conserved. In addition, the in silico prediction for this alteration is inconclusive. Since supporting evidence is limited at this time, the clinical significance of this alteration remains unclear.

NM_199420.4(POLQ):c.333A>T (p.Leu111Phe)

Gene: POLQ (DNA polymerase theta; minus strand). Cytogenetic location: 3q13.33.
Variant type: single nucleotide variant.
Coding change: c.333A>T on transcript NM_199420.4 (MANE Select); coding-DNA position 333, A replaced by T.
Protein change: p.Leu111Phe; replaces leucine 111 with phenylalanine.
Molecular consequence: missense variant.
Genome position (GRCh38, 1-based): chr3:121,544,737, T>A on the plus strand (A>T on the coding strand, the complement: POLQ is on the minus strand). VCF-style: chr3-121544737-T-A. GRCh37 (hg19) VCF-style: chr3-121263584-T-A.
Other names: short protein forms L111F.
Identifiers: ClinVar variation 1730381 (VCV001730381.2), dbSNP rs769590710, ClinGen allele CA2563860.